The following is an entry in ClinVar:

ClinVar aggregate classification (germline): Uncertain significance. Review status: criteria provided, multiple submitters, no conflicts (2 of 4 stars). 5 submissions from 5 submitters: Uncertain significance (5). Last evaluated 2026-09-21.

Conditions:
PLEC-related disorder. Also called: PLEC-related condition; PLEC-related disorders.
Autosomal recessive limb-girdle muscular dystrophy type 2Q (LGMDR17). Also called: MUSCULAR DYSTROPHY, LIMB-GIRDLE, AUTOSOMAL RECESSIVE 17. Identifiers: Orphanet 254361, MedGen C3150989, MONDO:0013390, OMIM 613723.
Epidermolysis bullosa simplex 5B, with muscular dystrophy (EBS5B). Also called: EPIDERMOLYSIS BULLOSA SIMPLEX AND LIMB-GIRDLE MUSCULAR DYSTROPHY; Epidermolysis bullosa simplex with muscular dystrophy. Identifiers: Orphanet 257, MedGen C2931072, MONDO:0009181, OMIM 226670.
Epidermolysis bullosa simplex, Ogna type (EBS5A). Also called: Pidermolysis bullosa simplex 5A, Ogna type; EPIDERMOLYSIS BULLOSA SIMPLEX 5A, OGNA TYPE. Identifiers: Orphanet 79401, MedGen C0432317, MONDO:0007555, OMIM 131950.
Epidermolysis bullosa simplex with nail dystrophy (EBS5D). Identifiers: MedGen C4225309, MONDO:0014661, OMIM 616487.
Epidermolysis bullosa simplex 5C, with pyloric atresia (EBS5C). Also called: PLEC-Related Epidermolysis Bullosa with Pyloric Atresia; Epidermolysis bullosa simplex with pyloric atresia; PLEC1-Related Epidermolysis Bullosa with Pyloric Atresia. Identifiers: Orphanet 158684, MedGen C2677349, MONDO:0012807, OMIM 612138.
Inborn genetic diseases. Identifiers: MedGen C0950123, MeSH D030342.

Allele frequency attached by ClinVar (database versions not stated): gnomAD exomes 0.00004; ExAC 0.00007; ESP Exome Variant Server 0.00008; gnomAD 0.00013 and 0.00014; 1000 Genomes Project 30x 0.00016; TOPMed 0.00016; 1000 Genomes Project 0.00020.
gnomAD v4.1: 29 of 1,611,500 alleles (0.0018%); highest among the groups gnomAD compares: African/African-American, 0.037%; no homozygotes.

Submissions (5):

PreventionGenetics, part of Exact Sciences
Classification: Uncertain significance for PLEC-related condition. Last evaluated: 2026-09-21. Review status: criteria provided, single submitter. Criteria: ACMG Guidelines, 2015. Collection method: clinical testing. Allele origin: germline.
Comment: The PLEC c.1144C>T variant is predicted to result in the amino acid substitution p.Leu382Phe. To our knowledge, this variant has not been reported in the literature. This variant is reported in 0.050% of alleles in individuals of African descent in gnomAD. Although we suspect that this variant may be benign, at this time, the clinical significance of this variant is uncertain due to the absence of conclusive functional and genetic evidence.

Labcorp Genetics (formerly Invitae), Labcorp
Classification: Uncertain significance for Autosomal recessive limb-girdle muscular dystrophy type 2Q; Epidermolysis bullosa simplex, Ogna type; Epidermolysis bullosa simplex with nail dystrophy; Epidermolysis bullosa simplex 5C, with pyloric atresia; Epidermolysis bullosa simplex 5B, with muscular dystrophy. Last evaluated: 2025-10-23. Review status: criteria provided, single submitter. Criteria: Invitae Variant Classification Sherloc (09022015). Collection method: clinical testing. Allele origin: germline.
Comment: This sequence change replaces leucine, which is neutral and non-polar, with phenylalanine, which is neutral and non-polar, at codon 382 of the PLEC protein (p.Leu382Phe). This variant is present in population databases (rs200260527, gnomAD 0.05%). This missense change has been observed in individual(s) with clinical features of PLEC-related conditions (internal data). ClinVar contains an entry for this variant (Variation ID: 502401). Experimental studies and prediction algorithms are not available or were not evaluated, and the functional significance of this variant is currently unknown. In summary, the available evidence is currently insufficient to determine the role of this variant in disease. Therefore, it has been classified as a Variant of Uncertain Significance.

Ambry Genetics
Classification: Uncertain significance for Inborn genetic diseases. Last evaluated: 2023-10-27. Review status: criteria provided, single submitter. Criteria: Ambry Variant Classification Scheme 2023. Collection method: clinical testing. Allele origin: germline.

Revvity Omics, Revvity
Classification: Uncertain significance. Last evaluated: 2019-06-12. Review status: criteria provided, single submitter. Criteria: ACMG Guidelines, 2015. Collection method: clinical testing. Allele origin: germline.

Eurofins Ntd Llc (ga)
Classification: Uncertain significance. Last evaluated: 2018-02-09. Review status: criteria provided, single submitter. Criteria: EGL ClinVar v180209 classification definitions. Collection method: clinical testing. Allele origin: germline. Observed: 2 variant alleles, 2 heterozygotes.

NM_201384.3(PLEC):c.1063C>T (p.Leu355Phe)

Gene: PLEC (plectin; minus strand). Cytogenetic location: 8q24.3.
Variant type: single nucleotide variant.
Coding change: c.1063C>T on transcript NM_201384.3 (MANE Select); coding-DNA position 1063, C replaced by T.
Protein change: p.Leu355Phe; replaces leucine 355 with phenylalanine.
Molecular consequence: missense variant.
Genome position (GRCh38, 1-based): chr8:143,934,424, G>A on the plus strand (C>T on the coding strand, the complement: PLEC is on the minus strand). VCF-style: chr8-143934424-G-A. GRCh37 (hg19) VCF-style: chr8-145008592-G-A.
Other names: c.1144C>T (NM_000445.3); c.1144C>T, p.Leu382Phe (NM_000445.5); c.1021C>T, p.Leu341Phe (NM_201378.4); c.997C>T, p.Leu333Phe (NM_201379.3); c.1474C>T, p.Leu492Phe (NM_201380.4); c.967C>T, p.Leu323Phe (NM_201381.3); c.1063C>T, p.Leu355Phe (NM_201382.4); c.1075C>T, p.Leu359Phe (NM_201383.3); short protein forms L323F, L333F, L341F, L355F, L359F, L382F, L492F.
Identifiers: ClinVar variation 502401 (VCV000502401.17), dbSNP rs200260527, ClinGen allele CA4928178.